The following is an entry in ClinVar:

NM_205836.3(FBXO38):c.2134G>C (p.Val712Leu)

Gene: FBXO38 (F-box protein 38; plus strand). Cytogenetic location: 5q32.
Variant type: single nucleotide variant.
Coding change: c.2134G>C on transcript NM_205836.3 (MANE Select); coding-DNA position 2134, G replaced by C.
Protein change: p.Val712Leu; replaces valine 712 with leucine.
Molecular consequence: missense variant. On other transcripts: intron variant (1).
Genome position (GRCh38, 1-based): chr5:148,427,428, G>C. VCF-style: chr5-148427428-G-C. GRCh37 (hg19) VCF-style: chr5-147806991-G-C.
Other names: c.2134G>C, p.Val712Leu (NM_030793.5); c.1918+1727G>C (NM_001271723.2); short protein forms V712L.
Identifiers: ClinVar variation 943855 (VCV000943855.11), dbSNP rs1753773505, ClinGen allele CA361656923.

ClinVar aggregate classification (germline): Uncertain significance (1 of 4 stars; one submission).

Conditions:
Distal hereditary motor neuropathy type 2. Identifiers: Orphanet 139525, MedGen C3711384, MeSH C580044, MONDO:0015352.

Submission:

Labcorp Genetics (formerly Invitae), Labcorp
Classification: Uncertain significance for Distal hereditary motor neuropathy type 2. Last evaluated: 2022-12-05. Review status: criteria provided, single submitter. Criteria: Invitae Variant Classification Sherloc (09022015). Collection method: clinical testing. Allele origin: germline.
Comment: This variant is not present in population databases (gnomAD no frequency). In summary, the available evidence is currently insufficient to determine the role of this variant in disease. Therefore, it has been classified as a Variant of Uncertain Significance. Advanced modeling of protein sequence and biophysical properties (such as structural, functional, and spatial information, amino acid conservation, physicochemical variation, residue mobility, and thermodynamic stability) performed at Invitae indicates that this missense variant is not expected to disrupt FBXO38 protein function. ClinVar contains an entry for this variant (Variation ID: 943855). This variant has not been reported in the literature in individuals affected with FBXO38-related conditions. This sequence change replaces valine, which is neutral and non-polar, with leucine, which is neutral and non-polar, at codon 712 of the FBXO38 protein (p.Val712Leu).